The following is an entry in ClinVar:

ClinVar aggregate classification (germline): Uncertain significance (1 of 4 stars; one submission).

Conditions:
Primary pulmonary hypertension. Also called: Idiopathic pulmonary hypertension. Identifiers: MedGen C0152171.

Submission:

Labcorp Genetics (formerly Invitae), Labcorp
Classification: Uncertain significance for Primary pulmonary hypertension. Last evaluated: 2022-12-12. Review status: criteria provided, single submitter. Criteria: Invitae Variant Classification Sherloc (09022015). Collection method: clinical testing. Allele origin: germline.
Comment: In summary, the available evidence is currently insufficient to determine the role of this variant in disease. Therefore, it has been classified as a Variant of Uncertain Significance. Experimental studies and prediction algorithms are not available or were not evaluated, and the functional significance of this variant is currently unknown. This variant has not been reported in the literature in individuals affected with BMPR2-related conditions. This variant is not present in population databases (gnomAD no frequency). This sequence change results in a frameshift in the BMPR2 gene (p.Asn1036Lysfs*20). While this is not anticipated to result in nonsense mediated decay, it is expected to disrupt the last 3 amino acid(s) of the BMPR2 protein and extend the protein by 16 additional amino acid residues.

NM_001204.7(BMPR2):c.3107_3108insAG (p.Asn1036fs)

Gene: BMPR2 (bone morphogenetic protein receptor type 2; plus strand). Cytogenetic location: 2q33.2.
Variant type: Insertion.
Coding change: c.3107_3108insAG on transcript NM_001204.7 (MANE Select); coding-DNA positions 3107 to 3108, AG inserted.
Protein change: p.Asn1036fs; shifts the reading frame from asparagine 1036.
Molecular consequence: frameshift variant.
Genome position: GRCh38 VCF-style: chr2-202559936-A-AAG. GRCh37 (hg19) VCF-style: chr2-203424659-A-AAG.
Other names: short protein forms N1036fs.
Identifiers: ClinVar variation 2820442 (VCV002820442.3), dbSNP rs2468751638, ClinGen allele CA2739278040.
Genomic context (GRCh38, chr2:202,559,936, plus strand): 5'-CTGTTTACCTTGCAGAAGGAGGCACTGCTACAACCATGGTGTCTAAAGATATAGGAATGA[A>AAG]CTGTCTGTGAAATGTTTTCAAGCCTATGGAGTGAAATTATTTTTTGCATCATTTAAACAT-3'